The following is an entry in ClinVar:

NM_002617.4(PEX10):c.745T>C (p.Trp249Arg)

Gene: PEX10 (peroxisomal biogenesis factor 10; minus strand). Cytogenetic location: 1p36.32.
Variant type: single nucleotide variant.
Coding change: c.745T>C on transcript NM_002617.4 (MANE Select); coding-DNA position 745, T replaced by C.
Protein change: p.Trp249Arg; replaces tryptophan 249 with arginine.
Molecular consequence: missense variant. On other transcripts: non-coding transcript variant (1).
Genome position (GRCh38, 1-based): chr1:2,406,751, A>G on the plus strand (T>C on the coding strand, the complement: PEX10 is on the minus strand). VCF-style: chr1-2406751-A-G. GRCh37 (hg19) VCF-style: chr1-2338190-A-G.
Other names: c.802T>C, p.Trp268Arg (NM_001374425.1); c.370T>C, p.Trp124Arg (NM_001374426.1); c.313T>C, p.Trp105Arg (NM_001374427.1); c.805T>C, p.Trp269Arg (NM_153818.2); short protein forms W105R, W124R, W249R, W268R, W269R.
Identifiers: ClinVar variation 1708617 (VCV001708617.2), dbSNP rs1643019159, ClinGen allele CA337985131.
Genomic context (GRCh38, chr1:2,406,751, plus strand): 5'-CAGCCCCCATGTGTGGCCCCCGCACGCACCTGCGGTGAGACAGGCCGCGGTGCAGCCTCC[A>G]CTCCTTCCTGGCTCGCTGCCGCTGCCTGAAACCGTACAGCTGCAGCCCCATGGACAGCAC-3'
Protein context (NP_002608.1, residues 239-259): FRQRQRARKE[Trp249Arg]RLHRGLSHRR

ClinVar aggregate classification (germline): Uncertain significance (1 of 4 stars; one submission).

Allele frequency attached by ClinVar (database versions not stated): gnomAD exomes 0.00001.

Submission:

GeneDx
Classification: Uncertain significance. Last evaluated: 2022-04-05. Review status: criteria provided, single submitter. Criteria: GeneDx Variant Classification Process June 2021. Collection method: clinical testing. Allele origin: germline. Affected: yes.
Comment: Not observed at significant frequency in large population cohorts (gnomAD); In silico analysis supports that this missense variant has a deleterious effect on protein structure/function; Has not been previously published as pathogenic or benign to our knowledge